The following is an entry in ClinVar:

NM_001282116.2(RFX3):c.764G>A (p.Arg255His)

Gene: RFX3 (regulatory factor X3; minus strand). Cytogenetic location: 9p24.2.
Variant type: single nucleotide variant.
Coding change: c.764G>A on transcript NM_001282116.2 (MANE Select); coding-DNA position 764, G replaced by A.
Protein change: p.Arg255His; replaces arginine 255 with histidine.
Molecular consequence: missense variant.
Genome position (GRCh38, 1-based): chr9:3,288,218, C>T on the plus strand (G>A on the coding strand, the complement: RFX3 is on the minus strand). VCF-style: chr9-3288218-C-T. GRCh37 (hg19) VCF-style: chr9-3288218-C-T.
Other names: c.764G>A, p.Arg255His (NM_001282117.2, NM_001377999.1, NM_002919.4 and 1 more transcripts); short protein forms R255H.
Identifiers: ClinVar variation 3432604 (VCV003432604.1).

ClinVar aggregate classification (germline): Likely pathogenic (1 of 4 stars; one submission).

Conditions:
Inborn genetic diseases. Identifiers: MedGen C0950123, MeSH D030342.

Submission:

Ambry Genetics
Classification: Likely pathogenic for Inborn genetic diseases. Last evaluated: 2024-12-03. Review status: criteria provided, single submitter. Criteria: Ambry Variant Classification Scheme 2023. Collection method: clinical testing. Allele origin: germline.
Comment: The c.764G>A (p.R255H) alteration is located in exon 8 (coding exon 6) of the RFX3 gene. This alteration results from a G to A substitution at nucleotide position 764, causing the arginine (R) at amino acid position 255 to be replaced by a histidine (H). This variant was not reported in population-based cohorts in the Genome Aggregation Database (gnomAD). This amino acid position is highly conserved in available vertebrate species. This missense alteration is located in a region that has a low rate of benign missense variation (Lek, 2016; Firth, 2009). This alteration is predicted to be deleterious by in silico analysis. Based on the available evidence, this alteration is classified as likely pathogenic.